The following is an entry in ClinVar:

NM_000143.4(FH):c.1023T>G (p.Asp341Glu)

Gene: FH (fumarate hydratase; minus strand). Cytogenetic location: 1q43.
Variant type: single nucleotide variant.
Coding change: c.1023T>G on transcript NM_000143.4 (MANE Select); coding-DNA position 1023, T replaced by G.
Protein change: p.Asp341Glu; replaces aspartic acid 341 with glutamic acid.
Molecular consequence: missense variant.
Genome position (GRCh38, 1-based): chr1:241,504,127, A>C on the plus strand (T>G on the coding strand, the complement: FH is on the minus strand). VCF-style: chr1-241504127-A-C. GRCh37 (hg19) VCF-style: chr1-241667427-A-C.
Other names: short protein forms D341E.
Identifiers: ClinVar variation 214382 (VCV000214382.15), dbSNP rs863223973, ClinGen allele CA319914.

ClinVar aggregate classification (germline): Pathogenic. Review status: criteria provided, multiple submitters, no conflicts (2 of 4 stars). 2 submissions from 2 submitters: Pathogenic (2). Last evaluated 2025-12-05.

Conditions:
Hereditary cancer-predisposing syndrome. Also called: Hereditary neoplastic syndrome; Neoplastic Syndromes, Hereditary; Tumor predisposition; Hereditary Cancer Syndrome. Identifiers: Orphanet 140162, MedGen C0027672, MeSH D009386, MONDO:0015356.

Submissions (2):

Ambry Genetics
Classification: Pathogenic for Hereditary cancer-predisposing syndrome. Last evaluated: 2025-12-05. Review status: criteria provided, single submitter. Criteria: Ambry Variant Classification Scheme 2023. Collection method: clinical testing. Allele origin: germline.
Comment: The p.D341E pathogenic mutation (also known as c.1023T>G), located in coding exon 7 of the FH gene, results from a T to G substitution at nucleotide position 1023. The aspartic acid at codon 341 is replaced by glutamic acid, an amino acid with highly similar properties. This alteration has been observed in at least two unrelated individuals with a personal and/or family history that is consistent with HLRCC-related disease (Ambry internal data). Based on internal structural analysis, this variant decreases structural stability (Ajalla Aleixo MA et al. FEBS J, 2019 05;286:1925-1940). This variant is considered to be rare based on population cohorts in the Genome Aggregation Database (gnomAD). This nucleotide position is not well conserved in available vertebrate species. This amino acid position is highly conserved in available vertebrate species. In addition, this alteration is predicted to be deleterious by in silico analysis. Based on the supporting evidence, this alteration is interpreted as a disease-causing mutation.

Labcorp Genetics (formerly Invitae), Labcorp
Classification: Pathogenic. Last evaluated: 2023-06-22. Review status: criteria provided, single submitter. Criteria: Invitae Variant Classification Sherloc (09022015). Collection method: clinical testing. Allele origin: germline.
Comment: For these reasons, this variant has been classified as Pathogenic. This variant disrupts the p.Asp341 amino acid residue in FH. Other variant(s) that disrupt this residue have been determined to be pathogenic (PMID: 21051878, 21304509, 22528940, 24684806). This suggests that this residue is clinically significant, and that variants that disrupt this residue are likely to be disease-causing. Advanced modeling of protein sequence and biophysical properties (such as structural, functional, and spatial information, amino acid conservation, physicochemical variation, residue mobility, and thermodynamic stability) performed at Invitae indicates that this missense variant is expected to disrupt FH protein function. ClinVar contains an entry for this variant (Variation ID: 214382). This missense change has been observed in individuals with hereditary leiomyomatosis and renal cell cancer (HLRCC) (Invitae; external communication). This sequence change replaces aspartic acid, which is acidic and polar, with glutamic acid, which is acidic and polar, at codon 341 of the FH protein (p.Asp341Glu). This variant is not present in population databases (gnomAD no frequency).

Literature cited by the submitters: PubMed 30761759 (cited by Ambry Genetics); PubMed 21051878 (cited by Labcorp Genetics (formerly Invitae), Labcorp); PubMed 21304509 (cited by Labcorp Genetics (formerly Invitae), Labcorp); PubMed 22528940 (cited by Labcorp Genetics (formerly Invitae), Labcorp); PubMed 24684806 (cited by Labcorp Genetics (formerly Invitae), Labcorp).